The following is an entry in ClinVar:

ClinVar aggregate classification (germline): Uncertain significance (1 of 4 stars; one submission).

Allele frequency attached by ClinVar (database versions not stated): gnomAD exomes below 0.00001.
gnomAD v4.1: 1 of 1,546,874 alleles (0.000065%); highest among the groups gnomAD compares: Non-Finnish European, 0.000087%; no homozygotes.

Submission:

GeneDx
Classification: Uncertain significance. Last evaluated: 2022-01-28. Review status: criteria provided, single submitter. Criteria: GeneDx Variant Classification Process June 2021. Collection method: clinical testing. Allele origin: germline. Affected: yes.
Comment: Not observed at significant frequency in large population cohorts (gnomAD); In silico analysis supports that this missense variant does not alter protein structure/function; Has not been previously published as pathogenic or benign to our knowledge

NM_025114.4(CEP290):c.6469A>G (p.Ile2157Val)

Gene: CEP290 (centrosomal protein 290; minus strand). Cytogenetic location: 12q21.32.
Variant type: single nucleotide variant.
Coding change: c.6469A>G on transcript NM_025114.4 (MANE Select); coding-DNA position 6469, A replaced by G.
Protein change: p.Ile2157Val; replaces isoleucine 2157 with valine.
Molecular consequence: missense variant.
Genome position (GRCh38, 1-based): chr12:88,060,883, T>C on the plus strand (A>G on the coding strand, the complement: CEP290 is on the minus strand). VCF-style: chr12-88060883-T-C. GRCh37 (hg19) VCF-style: chr12-88454660-T-C.
Other names: short protein forms I2157V.
Identifiers: ClinVar variation 1699523 (VCV001699523.2), dbSNP rs2136749270, ClinGen allele CA385978600.
Genomic context (GRCh38, chr12:88,060,883, plus strand): 5'-AAATTACCTTCAATTTTTCATTTTCCTGCTCAATATTAGCCATTTTTTCACTAGTCAATA[T>C]TCCTGATGCTTTTTTCAACTGTTCATTTTCTCTCTGGACTTTTTCAACTACTTTTTTCAT-3'
Protein context (NP_079390.3, residues 2147-2167): ENEQLKKASG[Ile2157Val]LTSEKMANIE